The following is an entry in ClinVar:

ClinVar aggregate classification (germline): Likely benign (1 of 4 stars; one submission).

Conditions:
Hirschsprung disease, susceptibility to, 4. Identifiers: Orphanet 388, MedGen C3150975, MONDO:0013384, OMIM 613712.

Allele frequency attached by ClinVar (database versions not stated): gnomAD exomes 0.00006 and 0.00014; 1000 Genomes Project 30x 0.00016; ExAC 0.00017; 1000 Genomes Project 0.00020; gnomAD 0.00062 and 0.00068; ESP Exome Variant Server 0.00069; TOPMed 0.00076.

Submission:

Illumina Laboratory Services, Illumina
Classification: Likely benign for Hirschsprung disease, susceptibility to, 4. Last evaluated: 2018-01-13. Review status: criteria provided, single submitter. Criteria: ICSL Variant Classification Criteria 13 December 2019. Collection method: clinical testing. Allele origin: germline.
Comment: This variant was observed in the ICSL laboratory as part of a predisposition screen in an ostensibly healthy population. It had not been previously curated by ICSL or reported in the Human Gene Mutation Database (HGMD: prior to June 1st, 2018), and was therefore a candidate for classification through an automated scoring system. Utilizing variant allele frequency, disease prevalence and penetrance estimates, and inheritance mode, an automated score was calculated to assess if this variant is too frequent to cause the disease. Based on the score and internal cut-off values, a variant classified as likely benign is not then subjected to further curation. The score for this variant resulted in a classification of likely benign for this disease.

NM_207034.3(EDN3):c.*44T>C

Gene: EDN3 (endothelin 3; plus strand). Cytogenetic location: 20q13.32.
Variant type: single nucleotide variant.
Coding change: c.*44T>C on transcript NM_207034.3 (MANE Select); 44 bases downstream of the stop codon, T replaced by C.
Molecular consequence: 3 prime UTR variant.
Genome position (GRCh38, 1-based): chr20:59,324,503, T>C. VCF-style: chr20-59324503-T-C. GRCh37 (hg19) VCF-style: chr20-57899558-T-C.
Other names: c.*168T>C (NM_001302455.2); c.*136T>C (NM_001302456.2, NM_207032.3); c.*44T>C (NM_207033.3).
Identifiers: ClinVar variation 339128 (VCV000339128.5), dbSNP rs200872063, ClinGen allele CA9930494.